The following is an entry in ClinVar:

ClinVar aggregate classification (germline): Benign. Review status: criteria provided, multiple submitters, no conflicts (2 of 4 stars). 3 submissions from 3 submitters: Benign (3). Last evaluated 2021-06-19.

Conditions:
Immunodeficiency, common variable, 4. Also called: ANTIBODY DEFICIENCY DUE TO BAFFR DEFECT. Identifiers: Orphanet 1572, Orphanet 696925, MedGen C3150739, MONDO:0013284, OMIM 613494.

Allele frequency attached by ClinVar (database versions not stated): TOPMed 0.44834; 1000 Genomes Project 30x 0.47517; gnomAD 0.41075 and 0.41881; gnomAD exomes 0.25173; 1000 Genomes Project 0.45567.
gnomAD v4.1: 303,319 of 1,103,354 alleles (27%); highest among the groups gnomAD compares: African/African-American, 83%; 55,350 homozygotes.

Submissions (3):

GeneDx
Classification: Benign. Last evaluated: 2021-06-19. Review status: criteria provided, single submitter. Criteria: GeneDx Variant Classification Process June 2021. Collection method: clinical testing. Allele origin: germline. Affected: yes.

Illumina Laboratory Services, Illumina
Classification: Benign for Immunodeficiency, common variable, 4. Last evaluated: 2018-01-13. Review status: criteria provided, single submitter. Criteria: ICSL Variant Classification Criteria 13 December 2019. Collection method: clinical testing. Allele origin: germline.
Comment: This variant was observed in the ICSL laboratory as part of a predisposition screen in an ostensibly healthy population. It had not been previously curated by ICSL or reported in the Human Gene Mutation Database (HGMD: prior to June 1st, 2018), and was therefore a candidate for classification through an automated scoring system. Utilizing variant allele frequency, disease prevalence and penetrance estimates, and inheritance mode, an automated score was calculated to assess if this variant is too frequent to cause the disease. Based on the score and internal cut-off values, a variant classified as benign is not then subjected to further curation. The score for this variant resulted in a classification of benign for this disease.

Breakthrough Genomics
Classification: Benign. Review status: criteria provided, single submitter. Criteria: ACMG Guidelines, 2015. Collection method: not provided. Allele origin: germline. Inheritance: Autosomal recessive inheritance. Affected: yes.

NM_052945.4(TNFRSF13C):c.*120T>C

Gene: TNFRSF13C (TNF receptor superfamily member 13C; minus strand). Cytogenetic location: 22q13.2.
Variant type: single nucleotide variant.
Coding change: c.*120T>C on transcript NM_052945.4 (MANE Select); 120 bases downstream of the stop codon, T replaced by C.
Molecular consequence: 3 prime UTR variant.
Genome position (GRCh38, 1-based): chr22:41,925,247, A>G on the plus strand (T>C on the coding strand, the complement: TNFRSF13C is on the minus strand). VCF-style: chr22-41925247-A-G. GRCh37 (hg19) VCF-style: chr22-42321251-A-G.
Identifiers: ClinVar variation 341874 (VCV000341874.8), dbSNP rs7290134, ClinGen allele CA10651417.